The following is an entry in ClinVar:

ClinVar aggregate classification (germline): Conflicting classifications of pathogenicity. Review status: criteria provided, conflicting classifications (1 of 4 stars). 3 submissions from 3 submitters: Uncertain significance (1); Likely benign (2). Last evaluated 2024-02-22.

Conditions:
Hereditary cancer-predisposing syndrome. Also called: Hereditary Cancer Syndrome; Neoplastic Syndromes, Hereditary; Tumor predisposition; Hereditary neoplastic syndrome. Identifiers: Orphanet 140162, MedGen C0027672, MeSH D009386, MONDO:0015356.
Familial adenomatous polyposis 1 (FAP1). Also called: POLYPOSIS, ADENOMATOUS INTESTINAL; FAMILIAL ADENOMATOUS POLYPOSIS 1, ATTENUATED. Identifiers: MedGen C2713442, MONDO:0021056, OMIM 175100. Disease mechanism: loss of function.

Submissions (3):

Myriad Genetics, Inc.
Classification: Likely benign for Familial adenomatous polyposis 1. Last evaluated: 2024-02-22. Review status: criteria provided, single submitter. Criteria: Myriad Autosomal Dominant, Autosomal Recessive and X-Linked Classification Criteria (2023). Collection method: clinical testing. Allele origin: unknown.
Comment: This variant is considered likely benign. This variant is intronic and is not expected to impact mRNA splicing.

Labcorp Genetics (formerly Invitae), Labcorp
Classification: Likely benign for Familial adenomatous polyposis 1. Last evaluated: 2023-05-30. Review status: criteria provided, single submitter. Criteria: Invitae Variant Classification Sherloc (09022015). Collection method: clinical testing. Allele origin: germline.

Color Diagnostics, LLC DBA Color Health
Classification: Uncertain significance for Hereditary cancer-predisposing syndrome. Last evaluated: 2019-02-23. Review status: criteria provided, single submitter. Criteria: ACMG Guidelines, 2015. Collection method: clinical testing. Allele origin: germline.

NM_000038.6(APC):c.135+8G>C

Gene: APC (APC regulator of Wnt signaling pathway; plus strand). Cytogenetic location: 5q22.2.
Variant type: single nucleotide variant.
Coding change: c.135+8G>C on transcript NM_000038.6 (MANE Select); 8 bases into the intron after coding-DNA position 135, G replaced by C.
Molecular consequence: intron variant.
Genome position (GRCh38, 1-based): chr5:112,755,033, G>C. VCF-style: chr5-112755033-G-C. GRCh37 (hg19) VCF-style: chr5-112090730-G-C.
Other names: c.135+8G>C (NM_001354895.2, NM_001127510.3, NM_001354896.2 and 2 more transcripts); c.166-11293G>C (NM_001354897.2, NM_001354902.2, NM_001127511.3); c.61-11293G>C (NM_001354898.2, NM_001354904.2); c.-901+8G>C (NM_001354906.2); c.-42-11293G>C (NM_001354900.2, NM_001354901.2, NM_001354905.2).
Identifiers: ClinVar variation 490195 (VCV000490195.16), dbSNP rs1554067166, ClinGen allele CA658683397.
Genomic context (GRCh38, chr5:112,755,033, plus strand): 5'-AAGATAATTCCAATCATCTTACAAAACTGGAAACTGAGGCATCTAATATGAAGGTATCAA[G>C]ACTGTGACTTTTAATTGTAGTTTATCCATTTTTATTCAGTATTCCCTCTTGTAAACTTGA-3'